The following is an entry in ClinVar:

NM_138420.4(AHNAK2):c.6295G>T (p.Asp2099Tyr)

Gene: AHNAK2 (AHNAK nucleoprotein 2; minus strand). Cytogenetic location: 14q32.33.
Variant type: single nucleotide variant.
Coding change: c.6295G>T on transcript NM_138420.4 (MANE Select); coding-DNA position 6295, G replaced by T.
Protein change: p.Asp2099Tyr; replaces aspartic acid 2099 with tyrosine.
Molecular consequence: missense variant.
Genome position (GRCh38, 1-based): chr14:104,949,156, C>A on the plus strand (G>T on the coding strand, the complement: AHNAK2 is on the minus strand). VCF-style: chr14-104949156-C-A. GRCh37 (hg19) VCF-style: chr14-105415493-C-A.
Other names: c.5995G>T, p.Asp1999Tyr (NM_001350929.2); short protein forms D1999Y, D2099Y.
Identifiers: ClinVar variation 4820899 (VCV004820899.4).

ClinVar aggregate classification (germline): Likely benign (1 of 4 stars; one submission).

gnomAD v4.1: 2,831 of 1,071,856 alleles (0.26%); highest among the groups gnomAD compares: Non-Finnish European, 0.37%; 1,056 homozygotes.

Submission:

CeGaT Center for Human Genetics Tuebingen
Classification: Likely benign. Last evaluated: 2026-02-01. Review status: criteria provided, single submitter. Criteria: CeGaT Center For Human Genetics Tuebingen Variant Classification Criteria Version 2. Collection method: clinical testing. Allele origin: germline. Affected: yes. Observed: 1 variant allele.
Comment: AHNAK2: BP4, BS2